The following is an entry in ClinVar:

NM_001013838.3(CARMIL2):c.1568G>T (p.Ser523Ile)

Gene: CARMIL2 (capping protein regulator and myosin 1 linker 2; plus strand). Cytogenetic location: 16q22.1.
Variant type: single nucleotide variant.
Coding change: c.1568G>T on transcript NM_001013838.3 (MANE Select); coding-DNA position 1568, G replaced by T.
Protein change: p.Ser523Ile; replaces serine 523 with isoleucine.
Molecular consequence: missense variant.
Genome position (GRCh38, 1-based): chr16:67,648,951, G>T. VCF-style: chr16-67648951-G-T. GRCh37 (hg19) VCF-style: chr16-67682854-G-T.
Other names: c.1460G>T, p.Ser487Ile (NM_001317026.3, NM_001438244.1, NM_001438835.1); short protein forms S487I, S523I.
Identifiers: ClinVar variation 4767617 (VCV004767617.1).

ClinVar aggregate classification (germline): Uncertain significance (1 of 4 stars; one submission).

Submission:

Labcorp Genetics (formerly Invitae), Labcorp
Classification: Uncertain significance. Last evaluated: 2025-08-31. Review status: criteria provided, single submitter. Criteria: Invitae Variant Classification Sherloc (09022015). Collection method: clinical testing. Allele origin: germline.
Comment: This sequence change replaces serine, which is neutral and polar, with isoleucine, which is neutral and non-polar, at codon 523 of the CARMIL2 protein (p.Ser523Ile). The frequency data for this variant in the population databases is considered unreliable, as metrics indicate poor data quality at this position in the gnomAD database. This variant has not been reported in the literature in individuals affected with CARMIL2-related conditions. Invitae Evidence Modeling of protein sequence and biophysical properties (such as structural, functional, and spatial information, amino acid conservation, physicochemical variation, residue mobility, and thermodynamic stability) indicates that this missense variant is not expected to disrupt CARMIL2 protein function with a negative predictive value of 80%. In summary, the available evidence is currently insufficient to determine the role of this variant in disease. Therefore, it has been classified as a Variant of Uncertain Significance.